The following is an entry in ClinVar:

NM_025265.4(TSEN2):c.1063G>T (p.Val355Leu)

Gene: TSEN2 (tRNA splicing endonuclease subunit 2; plus strand). Cytogenetic location: 3p25.2.
Variant type: single nucleotide variant.
Coding change: c.1063G>T on transcript NM_025265.4 (MANE Select); coding-DNA position 1063, G replaced by T.
Protein change: p.Val355Leu; replaces valine 355 with leucine.
Molecular consequence: missense variant. On other transcripts: non-coding transcript variant (1).
Genome position (GRCh38, 1-based): chr3:12,519,161, G>T. VCF-style: chr3-12519161-G-T. GRCh37 (hg19) VCF-style: chr3-12560660-G-T.
Other names: c.1063G>T, p.Val355Leu (NM_001145392.2, NM_001321277.2, NM_001321278.2); c.985G>T, p.Val329Leu (NM_001145393.3, NM_001321279.2); c.886G>T, p.Val296Leu (NM_001145394.2); short protein forms V296L, V355L, V329L.
Identifiers: ClinVar variation 212441 (VCV000212441.7), dbSNP rs368652521, ClinGen allele CA207936.

ClinVar aggregate classification (germline): Uncertain significance. Review status: criteria provided, multiple submitters, no conflicts (2 of 4 stars). 2 submissions from 2 submitters: Uncertain significance (2). Last evaluated 2024-10-02.

Allele frequency attached by ClinVar (database versions not stated): ESP Exome Variant Server 0.00008.
gnomAD v4.1: 2 of 1,614,214 alleles (0.00012%); highest among the groups gnomAD compares: Non-Finnish European, 0.00017%; no homozygotes.

Submissions (2):

GeneDx
Classification: Uncertain significance. Last evaluated: 2024-10-02. Review status: criteria provided, single submitter. Criteria: GeneDx Variant Classification Process June 2021. Collection method: clinical testing. Allele origin: germline. Affected: yes.
Comment: Not observed at significant frequency in large population cohorts (gnomAD); In silico analysis supports that this missense variant has a deleterious effect on protein structure/function; Has not been previously published as pathogenic or benign to our knowledge

Genetic Services Laboratory, University of Chicago
Classification: Uncertain significance. Last evaluated: 2014-09-04. Review status: criteria provided, single submitter. Criteria: ACMG Guidelines, 2015. Collection method: clinical testing. Allele origin: germline.